The following is an entry in ClinVar:

ClinVar aggregate classification (germline): Pathogenic. Review status: reviewed by expert panel (3 of 4 stars). 3 submissions from 3 submitters: Pathogenic (1). 2 of the submissions do not count toward it. Last evaluated 2016-09-08.

Conditions:
Breast-ovarian cancer, familial, susceptibility to, 1 (BROVCA1). Also called: BRCA1 Hereditary Breast and Ovarian Cancer; OVARIAN CANCER, SUSCEPTIBILITY TO. Identifiers: Orphanet 145, MedGen C2676676, MONDO:0011450, OMIM 604370. Disease mechanism: loss of function.

Submissions (3):

Evidence-based Network for the Interpretation of Germline Mutant Alleles (ENIGMA)
Classification: Pathogenic for Breast-ovarian cancer, familial, susceptibility to, 1. Last evaluated: 2016-09-08. Review status: reviewed by expert panel. Criteria: ENIGMA BRCA1/2 Classification Criteria (2015). Collection method: curation. Allele origin: germline.
Comment: Variant allele predicted to encode a truncated non-functional protein.

Consortium of Investigators of Modifiers of BRCA1/2 (CIMBA), c/o University of Cambridge
Classification: Pathogenic for Breast-ovarian cancer, familial, susceptibility to, 1. Last evaluated: 2015-10-02. Review status: criteria provided, single submitter. Criteria: CIMBA Mutation Classification guidelines May 2016. Collection method: clinical testing. Allele origin: germline. Not counted in ClinVar's aggregate classification.

Breast Cancer Information Core (BIC) (BRCA1)
Classification: Pathogenic for Breast-ovarian cancer, familial 1. Last evaluated: 1999-06-21. Review status: no assertion criteria provided. Collection method: clinical testing. Allele origin: germline. Affected: yes. Observed: 1 variant allele. Not counted in ClinVar's aggregate classification.

NM_007294.4(BRCA1):c.5026_5036del (p.Leu1676fs)

Gene: BRCA1 (BRCA1 DNA repair associated; minus strand). Cytogenetic location: 17q21.31.
Variant type: Deletion.
Coding change: c.5026_5036del on transcript NM_007294.4 (MANE Select); coding-DNA positions 5026 to 5036, 11 bases deleted (TTAACTAATCT).
Protein change: p.Leu1676fs; shifts the reading frame from leucine 1676.
Molecular consequence: frameshift variant. On other transcripts: non-coding transcript variant (1).
Genome position (GRCh38, 1-based): chr17:43,067,646-43,067,656, AGATTAGTTAA deleted on the plus strand (TTAACTAATCT on the coding strand, the reverse complement: BRCA1 is on the minus strand); deleting any 11 consecutive bases within chr17:43,067,646-43,067,658 gives the same sequence; the c. name uses the placement nearest the transcript's 3' end. VCF-style (leftmost placement, unchanged base first): chr17-43067645-TAGATTAGTTAA-T. GRCh37 (hg19) VCF-style: chr17-41219662-TAGATTAGTTAA-T.
Other names: 5145del11; c.5026_5036delTTAACTAATCT (NM_007294.3); c.4811_4821delCTTTAACTAAT, p.Leu1605Asnfs (NM_001407571.1, NM_001407894.1, NM_001407895.1 and 12 more transcripts); c.5090_5100delCTTTAACTAAT, p.Leu1698Asnfs (NM_001407581.1, NM_001407582.1); c.5087_5097delCTTTAACTAAT, p.Leu1697Asnfs (NM_001407583.1, NM_001407585.1, NM_001407587.1); c.5084_5094delCTTTAACTAAT, p.Leu1696Asnfs (NM_001407590.1, NM_001407591.1); c.5024_5034delCTTTAACTAAT, p.Leu1676Asnfs (NM_001407593.1, NM_001407594.1, NM_001407596.1 and 8 more transcripts); c.5021_5031delCTTTAACTAAT, p.Leu1675Asnfs (NM_001407610.1, NM_001407611.1, NM_001407612.1 and 17 more transcripts); and 75 more; short protein forms L1629fs, L1676fs, L1697fs, L572fs.
Identifiers: ClinVar variation 55356 (VCV000055356.5), dbSNP rs80357894, ClinGen allele CA003157.